The following is an entry in ClinVar:

ClinVar aggregate classification (germline): Benign. Review status: criteria provided, multiple submitters, no conflicts (2 of 4 stars). 7 submissions from 4 submitters: Benign (7). Last evaluated 2024-07-31.

Conditions:
Developmental and epileptic encephalopathy 98. Identifiers: MedGen C5562017, MONDO:0030472, OMIM 619605.
Fetal akinesia, respiratory insufficiency, microcephaly, polymicrogyria, and dysmorphic facies. Identifiers: MedGen C5562015, MONDO:0859204, OMIM 619602.
Alternating hemiplegia of childhood 1 (AHC1). Identifiers: Orphanet 2131, MedGen C3549447, MONDO:0007087, OMIM 104290.
Migraine, familial hemiplegic, 2. Identifiers: Orphanet 569, MedGen C1865322, MONDO:0011232, OMIM 602481.

Allele frequency attached by ClinVar (database versions not stated): 1000 Genomes Project 30x 0.08510; 1000 Genomes Project 0.08646; TOPMed 0.08920; gnomAD 0.09102 and 0.09132; gnomAD exomes 0.11615.

Submissions (7):

Unidad de Genómica Garrahan, Hospital de Pediatría Garrahan
Classification: Benign. Last evaluated: 2024-07-31. Review status: criteria provided, single submitter. Criteria: ACMG Guidelines, 2015. Collection method: clinical testing. Allele origin: germline. Affected: no. Observed: 19 variant alleles.
Comment: This variant is classified as Benign based on local population frequency. This variant was detected in 20% of patients studied in a panel designed for Epileptic and Developmental Encephalopathy, Progressive Myoclonus Epilepsy and Abnormal Movements and Neurodegeneration with brain iron accumulation. Number of patients: 19. Only high quality variants are reported.

Genome-Nilou Lab
Classification: Benign for Alternating hemiplegia of childhood 1. Last evaluated: 2021-12-05. Review status: criteria provided, single submitter. Criteria: ACMG Guidelines, 2015. Collection method: clinical testing. Allele origin: germline. Affected: no.

Genome-Nilou Lab
Classification: Benign for Developmental and epileptic encephalopathy 98. Last evaluated: 2021-12-05. Review status: criteria provided, single submitter. Criteria: ACMG Guidelines, 2015. Collection method: clinical testing. Allele origin: germline. Affected: no.

Genome-Nilou Lab
Classification: Benign for Fetal akinesia, respiratory insufficiency, microcephaly, polymicrogyria, and dysmorphic facies. Last evaluated: 2021-12-05. Review status: criteria provided, single submitter. Criteria: ACMG Guidelines, 2015. Collection method: clinical testing. Allele origin: germline. Affected: no.

Genome-Nilou Lab
Classification: Benign for Migraine, familial hemiplegic, 2. Last evaluated: 2021-12-05. Review status: criteria provided, single submitter. Criteria: ACMG Guidelines, 2015. Collection method: clinical testing. Allele origin: germline. Affected: no.

GeneDx
Classification: Benign. Last evaluated: 2018-06-25. Review status: criteria provided, single submitter. Criteria: GeneDx Variant Classification Process June 2021. Collection method: clinical testing. Allele origin: germline. Affected: yes.

Breakthrough Genomics
Classification: Benign. Review status: criteria provided, single submitter. Criteria: ACMG Guidelines, 2015. Collection method: not provided. Allele origin: germline. Inheritance: Autosomal recessive inheritance. Affected: yes.

NM_000702.4(ATP1A2):c.382-85G>A

Gene: ATP1A2 (ATPase Na+/K+ transporting subunit alpha 2; plus strand). Cytogenetic location: 1q23.2.
Variant type: single nucleotide variant.
Coding change: c.382-85G>A on transcript NM_000702.4 (MANE Select); 85 bases into the intron before coding-DNA position 382, G replaced by A.
Molecular consequence: intron variant.
Genome position (GRCh38, 1-based): chr1:160,123,858, G>A. VCF-style: chr1-160123858-G-A. GRCh37 (hg19) VCF-style: chr1-160093648-G-A.
Identifiers: ClinVar variation 1271154 (VCV001271154.5), dbSNP rs41265763, ClinGen allele CA31489650.